The following is an entry in ClinVar:

ClinVar aggregate classification (germline): Uncertain significance (1 of 4 stars; one submission).

Submission:

GeneDx
Classification: Uncertain significance. Last evaluated: 2023-08-01. Review status: criteria provided, single submitter. Criteria: GeneDx Variant Classification Process June 2021. Collection method: clinical testing. Allele origin: germline. Affected: yes.
Comment: Not observed at significant frequency in large population cohorts (gnomAD); In silico analysis supports that this missense variant does not alter protein structure/function; Has not been previously published as pathogenic or benign to our knowledge

NM_000276.4(OCRL):c.167T>C (p.Ile56Thr)

Gene: OCRL (OCRL inositol polyphosphate-5-phosphatase; plus strand). Cytogenetic location: Xq26.1.
Variant type: single nucleotide variant.
Coding change: c.167T>C on transcript NM_000276.4 (MANE Select); coding-DNA position 167, T replaced by C.
Protein change: p.Ile56Thr; replaces isoleucine 56 with threonine.
Molecular consequence: missense variant.
Genome position (GRCh38, 1-based): chrX:129,545,005, T>C. VCF-style: chrX-129545005-T-C. GRCh37 (hg19) VCF-style: chrX-128678982-T-C.
Other names: c.170T>C, p.Ile57Thr (NM_001318784.2); c.167T>C, p.Ile56Thr (NM_001587.4); short protein forms I56T, I57T.
Identifiers: ClinVar variation 3361444 (VCV003361444.1).